The following is an entry in ClinVar:

ClinVar aggregate classification (germline): Uncertain significance (1 of 4 stars; one submission).

Conditions:
Long QT syndrome (LQTS). Identifiers: MedGen C0023976, MeSH D008133, MONDO:0002442. Disease mechanism: loss of function. Inheritance: Various modes of inheritance.

Submission:

Labcorp Genetics (formerly Invitae), Labcorp
Classification: Uncertain significance for Long QT syndrome. Last evaluated: 2016-10-26. Review status: criteria provided, single submitter. Criteria: Invitae Variant Classification Sherloc (09022015). Collection method: clinical testing. Allele origin: germline.
Comment: Algorithms developed to predict the effect of missense changes on protein structure and function do not agree on the potential impact of this missense change (SIFT: "Deleterious"; PolyPhen-2: "Probably Damaging"; Align-GVGD: "Class C0"). In summary, this variant is a novel missense change with uncertain impact on protein function. It has been classified as a Variant of Uncertain Significance. This variant is not present in population databases (ExAC no frequency) and has not been reported in the literature in individuals with a SNTA1-related disease. This sequence change replaces leucine with proline at codon 368 of the SNTA1 protein (p.Leu368Pro). The leucine residue is moderately conserved and there is a moderate physicochemical difference between leucine and proline.

NM_003098.3(SNTA1):c.1103T>C (p.Leu368Pro)

Gene: SNTA1 (syntrophin alpha 1; minus strand). Cytogenetic location: 20q11.21.
Variant type: single nucleotide variant.
Coding change: c.1103T>C on transcript NM_003098.3 (MANE Select); coding-DNA position 1103, T replaced by C.
Protein change: p.Leu368Pro; replaces leucine 368 with proline.
Molecular consequence: missense variant.
Genome position (GRCh38, 1-based): chr20:33,410,269, A>G on the plus strand (T>C on the coding strand, the complement: SNTA1 is on the minus strand). VCF-style: chr20-33410269-A-G. GRCh37 (hg19) VCF-style: chr20-31998075-A-G.
Other names: short protein forms L368P.
Identifiers: ClinVar variation 412221 (VCV000412221.8), dbSNP rs1060503675, ClinGen allele CA16616457.
Genomic context (GRCh38, chr20:33,410,269, plus strand): 5'-TCCTGCGGTGACTCCACGCTGAACAGGTGAGTGTCCACACCGTGACGCGTGCCCGTGCGC[A>G]GGGCAAAAGAGAGCTCTGCATCGTAGGGCACTGAGCCCTTGGAGGGGCCTGAGTGCACCA-3'
Protein context (NP_003089.1, residues 358-378): VPYDAELSFA[Leu368Pro]RTGTRHGVDT